The following is an entry in ClinVar:

ClinVar aggregate classification (germline): Conflicting classifications of pathogenicity. Review status: criteria provided, conflicting classifications (1 of 4 stars). 5 submissions from 4 submitters: Uncertain significance (2); Likely benign (3). Last evaluated 2025-07-21.

Conditions:
Arrhythmogenic right ventricular dysplasia 2. Identifiers: MedGen C1832931.
Catecholaminergic polymorphic ventricular tachycardia (CVPT). Also called: Catecholamine-induced polymorphic ventricular tachycardia. Identifiers: Orphanet 3286, MedGen C5574922, MONDO:0017990.
Cardiomyopathy (CMYO). Also called: Cardiomyopathies. Identifiers: Orphanet 167848, MedGen C0878544, MONDO:0004994, HP:0001638. Inheritance: Various modes of inheritance.
Catecholaminergic polymorphic ventricular tachycardia 1. Also called: VENTRICULAR TACHYCARDIA, CATECHOLAMINERGIC POLYMORPHIC, 1, WITH OR WITHOUT ATRIAL DYSFUNCTION AND/OR DILATED CARDIOMYOPATHY; VENTRICULAR TACHYCARDIA, STRESS-INDUCED POLYMORPHIC 1; RYR2-Related Catecholaminergic Polymorphic Ventricular Tachycardia. Identifiers: Orphanet 3286, MedGen C1631597, MONDO:0011484, OMIM 604772.

Allele frequency attached by ClinVar (database versions not stated): gnomAD exomes below 0.00001; gnomAD 0.00001; TOPMed 0.00001.
gnomAD v4.1: 5 of 1,602,068 alleles (0.00031%); highest among the groups gnomAD compares: South Asian, 0.0011%; no homozygotes.

Submissions (5):

Labcorp Genetics (formerly Invitae), Labcorp
Classification: Likely benign for Catecholaminergic polymorphic ventricular tachycardia 1. Last evaluated: 2025-07-21. Review status: criteria provided, single submitter. Criteria: Invitae Variant Classification Sherloc (09022015). Collection method: clinical testing. Allele origin: germline.

All of Us Research Program, National Institutes of Health
Classification: Likely benign for Catecholaminergic polymorphic ventricular tachycardia. Last evaluated: 2023-08-23. Review status: criteria provided, single submitter. Criteria: ACMG Guidelines, 2015. Collection method: clinical testing. Allele origin: germline. Inheritance: Autosomal dominant inheritance. Observed: 3 variant alleles, 3 heterozygotes.
Comment: This study involves interpretation of variants in research participants for the purpose of population health screening. Participant phenotype was not available at the time of variant classification. Additional details can be found in publication PMID: 35346344, PMCID: PMC8962531

Color Diagnostics, LLC DBA Color Health
Classification: Likely benign for Cardiomyopathy. Last evaluated: 2023-03-29. Review status: criteria provided, single submitter. Criteria: ACMG Guidelines, 2015. Collection method: clinical testing. Allele origin: germline.

Illumina Laboratory Services, Illumina
Classification: Uncertain significance for Catecholaminergic polymorphic ventricular tachycardia 1. Last evaluated: 2018-01-12. Review status: criteria provided, single submitter. Criteria: ICSL Variant Classification Criteria 13 December 2019. Collection method: clinical testing. Allele origin: germline.

Illumina Laboratory Services, Illumina
Classification: Uncertain significance for Catecholaminergic polymorphic ventricular tachycardia 1. Last evaluated: 2018-01-12. Review status: criteria provided, single submitter. Criteria: ICSL Variant Classification Criteria 13 December 2019. Collection method: clinical testing. Allele origin: germline.

NM_001035.3(RYR2):c.11146-6G>A

Gene: RYR2 (ryanodine receptor 2; plus strand). Cytogenetic location: 1q43.
Variant type: single nucleotide variant.
Coding change: c.11146-6G>A on transcript NM_001035.3 (MANE Select); 6 bases into the intron before coding-DNA position 11146, G replaced by A.
Molecular consequence: intron variant.
Genome position (GRCh38, 1-based): chr1:237,756,282, G>A. VCF-style: chr1-237756282-G-A. GRCh37 (hg19) VCF-style: chr1-237919582-G-A.
Other names: c.11146-6G>A (LRG_402t1).
Identifiers: ClinVar variation 296752 (VCV000296752.14), dbSNP rs886046277, ClinGen allele CA10610736.
Genomic context (GRCh38, chr1:237,756,282, plus strand): 5'-ATGGTCTGTAGAAATCTGTTGTGCTTACTGATACCCTCAACATAAATGGTTGGGATTTGT[G>A]TTCAGGAAAAAGAAATGGAAAAGCAAAAGCTTCTATACCAGCAAGCCCGACTCCACGATC-3'